The following is an entry in ClinVar:

ClinVar aggregate classification (germline): Pathogenic (1 of 4 stars; one submission).

Submission:

Labcorp Genetics (formerly Invitae), Labcorp
Classification: Pathogenic. Last evaluated: 2025-05-05. Review status: criteria provided, single submitter. Criteria: Invitae Variant Classification Sherloc (09022015). Collection method: clinical testing. Allele origin: germline.
Comment: This sequence change creates a premature translational stop signal (p.Gln207*) in the COL9A2 gene. It is expected to result in an absent or disrupted protein product. Loss-of-function variants in COL9A2 are known to be pathogenic (PMID: 21671392, 33356723). This variant is not present in population databases (gnomAD no frequency). This variant has not been reported in the literature in individuals affected with COL9A2-related conditions. For these reasons, this variant has been classified as Pathogenic.

Literature cited by the submitters: PubMed 21671392; PubMed 33356723.

NM_001852.4(COL9A2):c.619C>T (p.Gln207Ter)

Gene: COL9A2 (collagen type IX alpha 2 chain; minus strand). Cytogenetic location: 1p34.2.
Variant type: single nucleotide variant.
Coding change: c.619C>T on transcript NM_001852.4 (MANE Select); coding-DNA position 619, C replaced by T.
Protein change: p.Gln207Ter; replaces glutamine 207 with a stop codon.
Molecular consequence: nonsense.
Genome position (GRCh38, 1-based): chr1:40,311,104, G>A on the plus strand (C>T on the coding strand, the complement: COL9A2 is on the minus strand). VCF-style: chr1-40311104-G-A. GRCh37 (hg19) VCF-style: chr1-40776776-G-A.
Other names: short protein forms Q207*.
Identifiers: ClinVar variation 4717805 (VCV004717805.1).